The following is an entry in ClinVar:

ClinVar aggregate classification (germline): Uncertain significance (1 of 4 stars; one submission).

Conditions:
Neuronal ceroid lipofuscinosis. Also called: Neuronal Ceroid Lipofuscinoses. Identifiers: Orphanet 216, Orphanet 79263, MedGen C0027877, MONDO:0016295. Disease mechanism: loss of function.

Submission:

Labcorp Genetics (formerly Invitae), Labcorp
Classification: Uncertain significance for Neuronal ceroid lipofuscinosis. Last evaluated: 2024-11-04. Review status: criteria provided, single submitter. Criteria: Invitae Variant Classification Sherloc (09022015). Collection method: clinical testing. Allele origin: germline.
Comment: This sequence change replaces glycine, which is neutral and non-polar, with glutamic acid, which is acidic and polar, at codon 208 of the CLN6 protein (p.Gly208Glu). This variant is not present in population databases (gnomAD no frequency). This variant has not been reported in the literature in individuals affected with CLN6-related conditions. ClinVar contains an entry for this variant (Variation ID: 1384258). Invitae Evidence Modeling of protein sequence and biophysical properties (such as structural, functional, and spatial information, amino acid conservation, physicochemical variation, residue mobility, and thermodynamic stability) indicates that this missense variant is not expected to disrupt CLN6 protein function with a negative predictive value of 80%. In summary, the available evidence is currently insufficient to determine the role of this variant in disease. Therefore, it has been classified as a Variant of Uncertain Significance.

NM_017882.3(CLN6):c.623G>A (p.Gly208Glu)

Gene: CLN6 (CLN6 transmembrane ER protein; minus strand). Cytogenetic location: 15q23.
Variant type: single nucleotide variant.
Coding change: c.623G>A on transcript NM_017882.3 (MANE Select); coding-DNA position 623, G replaced by A.
Protein change: p.Gly208Glu; replaces glycine 208 with glutamic acid.
Molecular consequence: missense variant.
Genome position (GRCh38, 1-based): chr15:68,209,679, C>T on the plus strand (G>A on the coding strand, the complement: CLN6 is on the minus strand). VCF-style: chr15-68209679-C-T. GRCh37 (hg19) VCF-style: chr15-68502017-C-T.
Other names: short protein forms G208E.
Identifiers: ClinVar variation 1384258 (VCV001384258.8), dbSNP rs2141137239, ClinGen allele CA392972856.
Genomic context (GRCh38, chr15:68,209,679, plus strand): 5'-ATGCTGATGTCCACTCACCAGTAGTACAGGCCACTGGGTGCCACCAGGAGCAGGGCAGGC[C>T]CTGGAATCAAGCTCTCAGCTTTAGAGGCAGTAAAGCAGCCGCTGAAGTACATGAAGAGGA-3'
Protein context (NP_060352.1, residues 198-218): TASKAESLIP[Gly208Glu]PALLLVAPSG